The following is an entry in ClinVar:

NM_001253697.2(ERBIN):c.3924T>G (p.His1308Gln)

Gene: ERBIN (erbb2 interacting protein; plus strand). Cytogenetic location: 5q12.3.
Variant type: single nucleotide variant.
Coding change: c.3924T>G on transcript NM_001253697.2 (MANE Select); coding-DNA position 3924, T replaced by G.
Protein change: p.His1308Gln; replaces histidine 1308 with glutamine.
Molecular consequence: missense variant. On other transcripts: intron variant (1).
Genome position (GRCh38, 1-based): chr5:66,075,191, T>G. VCF-style: chr5-66075191-T-G. GRCh37 (hg19) VCF-style: chr5-65371019-T-G.
Other names: c.3801T>G, p.His1267Gln (NM_001253698.2, NM_018695.4); c.3945T>G, p.His1315Gln (NM_001253699.2); c.3789T>G, p.His1263Gln (NM_001253701.2); c.3634-1125T>G (NM_001006600.3); short protein forms H1267Q, H1263Q, H1308Q, H1315Q.
Identifiers: ClinVar variation 3676066 (VCV003676066.2).

ClinVar aggregate classification (germline): Uncertain significance (1 of 4 stars; one submission).

gnomAD v4.1: 2 of 1,614,044 alleles (0.00012%); highest among the groups gnomAD compares: Non-Finnish European, 0.00017%; no homozygotes.

Submission:

Labcorp Genetics (formerly Invitae), Labcorp
Classification: Uncertain significance. Last evaluated: 2024-07-25. Review status: criteria provided, single submitter. Criteria: Invitae Variant Classification Sherloc (09022015). Collection method: clinical testing. Allele origin: germline.
Comment: This sequence change replaces histidine, which is basic and polar, with glutamine, which is neutral and polar, at codon 1308 of the ERBIN protein (p.His1308Gln). This variant is not present in population databases (gnomAD no frequency). This variant has not been reported in the literature in individuals affected with ERBIN-related conditions. An algorithm developed to predict the effect of missense changes on protein structure and function outputs the following: PolyPhen-2: "Benign". The glutamine amino acid residue is found in multiple mammalian species, which suggests that this missense change does not adversely affect protein function. In summary, the available evidence is currently insufficient to determine the role of this variant in disease. Therefore, it has been classified as a Variant of Uncertain Significance.